The following is an entry in ClinVar:

ClinVar aggregate classification (germline): Uncertain significance. Review status: criteria provided, multiple submitters, no conflicts (2 of 4 stars). 3 submissions from 3 submitters: Uncertain significance (3). Last evaluated 2025-01-31.

Conditions:
Factor XIII, A subunit, deficiency of. Also called: Factor XIII subunit A deficiency. Identifiers: Orphanet 331, MedGen C2750514, MONDO:0013187, OMIM 613225, HP:0040233.
F13A1-related disorder. Also called: F13A1-related condition.
Inborn genetic diseases. Identifiers: MedGen C0950123, MeSH D030342.

Allele frequency attached by ClinVar (database versions not stated): ExAC 0.00002; gnomAD exomes 0.00004; gnomAD 0.00005; TOPMed 0.00005; ESP Exome Variant Server 0.00015.
gnomAD v4.1: 59 of 1,613,998 alleles (0.0037%); highest among the groups gnomAD compares: Middle Eastern, 0.049%; no homozygotes.

Submissions (3):

PreventionGenetics, part of Exact Sciences
Classification: Uncertain significance for F13A1-related condition. Last evaluated: 2025-01-31. Review status: criteria provided, single submitter. Criteria: ACMG Guidelines, 2015. Collection method: clinical testing. Allele origin: germline.
Comment: The F13A1 c.2029A>G variant is predicted to result in the amino acid substitution p.Met677Val. To our knowledge, this variant has not been reported in the literature. This variant is reported in 0.0087% of alleles in individuals of Latino descent in gnomAD. At this time, the clinical significance of this variant is uncertain due to the absence of conclusive functional and genetic evidence.

Ambry Genetics
Classification: Uncertain significance for Inborn genetic diseases. Last evaluated: 2025-01-07. Review status: criteria provided, single submitter. Criteria: Ambry Variant Classification Scheme 2023. Collection method: clinical testing. Allele origin: germline.

Illumina Laboratory Services, Illumina
Classification: Uncertain significance for Factor XIII, A subunit, deficiency of. Last evaluated: 2018-01-13. Review status: criteria provided, single submitter. Criteria: ICSL Variant Classification Criteria 13 December 2019. Collection method: clinical testing. Allele origin: germline.

NM_000129.4(F13A1):c.2029A>G (p.Met677Val)

Gene: F13A1 (coagulation factor XIII A chain; minus strand). Cytogenetic location: 6p25.1.
Variant type: single nucleotide variant.
Coding change: c.2029A>G on transcript NM_000129.4 (MANE Select); coding-DNA position 2029, A replaced by G.
Protein change: p.Met677Val; replaces methionine 677 with valine.
Molecular consequence: missense variant.
Genome position (GRCh38, 1-based): chr6:6,151,829, T>C on the plus strand (A>G on the coding strand, the complement: F13A1 is on the minus strand). VCF-style: chr6-6151829-T-C. GRCh37 (hg19) VCF-style: chr6-6152062-T-C.
Other names: short protein forms M677V.
Identifiers: ClinVar variation 357669 (VCV000357669.9), dbSNP rs371964182, ClinGen allele CA3624171.